The following is an entry in ClinVar:

NM_000038.6(APC):c.4323A>C (p.Pro1441=)

Gene: APC (APC regulator of Wnt signaling pathway; plus strand). Cytogenetic location: 5q22.2.
Variant type: single nucleotide variant.
Coding change: c.4323A>C on transcript NM_000038.6 (MANE Select); coding-DNA position 4323, A replaced by C.
Protein change: p.Pro1441=; no amino-acid change (proline 1441 retained).
Molecular consequence: synonymous variant. On other transcripts: non-coding transcript variant (2).
Genome position (GRCh38, 1-based): chr5:112,839,917, A>C. VCF-style: chr5-112839917-A-C. GRCh37 (hg19) VCF-style: chr5-112175614-A-C.
Other names: c.4323A>C, p.Pro1441= (NM_001127510.3, NM_001354895.2, NM_001407450.1); c.4269A>C, p.Pro1423= (NM_001127511.3); c.4377A>C, p.Pro1459= (NM_001354896.2, NM_001407447.1, NM_001407448.1 and 1 more transcripts); c.4353A>C, p.Pro1451= (NM_001354897.2); c.4248A>C, p.Pro1416= (NM_001354898.2); c.4239A>C, p.Pro1413= (NM_001354899.2); c.4200A>C, p.Pro1400= (NM_001354900.2); c.4146A>C, p.Pro1382= (NM_001354901.2, NM_001407453.1); and 11 more.
Identifiers: ClinVar variation 3073369 (VCV003073369.9), dbSNP rs923560245, ClinGen allele CA445964477.
Genomic context (GRCh38, chr5:112,839,917, plus strand): 5'-TGATCTTCCAGATAGCCCTGGACAAACCATGCCACCAAGCAGAAGTAAAACACCTCCACC[A>C]CCTCCTCAAACAGCTCAAACCAAGCGAGAAGTACCTAAAAATAAAGCACCTACTGCTGAA-3'
Protein context (NP_000029.2, residues 1431-1451): MPPSRSKTPP[Pro1441=]PPQTAQTKRE

ClinVar aggregate classification (germline): Likely benign. Review status: criteria provided, multiple submitters, no conflicts (2 of 4 stars). 2 submissions from 2 submitters: Likely benign (2). Last evaluated 2025-08-01.

Conditions:
Classic or attenuated familial adenomatous polyposis. Identifiers: MedGen CN372698, MONDO:0021057.

Submissions (2):

CeGaT Center for Human Genetics Tuebingen
Classification: Likely benign. Last evaluated: 2025-08-01. Review status: criteria provided, single submitter. Criteria: CeGaT Center For Human Genetics Tuebingen Variant Classification Criteria Version 2. Collection method: clinical testing. Allele origin: germline. Affected: yes. Observed: 1 variant allele.
Comment: APC: PM2:Supporting, BP4, BP7

All of Us Research Program, National Institutes of Health
Classification: Likely benign for Classic or attenuated familial adenomatous polyposis. Last evaluated: 2023-09-17. Review status: criteria provided, single submitter. Criteria: ACMG Guidelines, 2015. Collection method: clinical testing. Allele origin: germline. Inheritance: Autosomal dominant inheritance. Observed: 1 variant allele, 1 heterozygote.
Comment: This study involves interpretation of variants in research participants for the purpose of population health screening. Participant phenotype was not available at the time of variant classification. Additional details can be found in publication PMID: 35346344, PMCID: PMC8962531